The following is an entry in ClinVar:

ClinVar aggregate classification (germline): Benign (1 of 4 stars; one submission).

Submission:

GeneDx
Classification: Benign. Last evaluated: 2018-06-16. Review status: criteria provided, single submitter. Criteria: GeneDx Variant Classification (06012015). Collection method: clinical testing. Allele origin: germline. Affected: yes.
Comment: This variant is considered likely benign or benign based on one or more of the following criteria: it is a conservative change, it occurs at a poorly conserved position in the protein, it is predicted to be benign by multiple in silico algorithms, and/or has population frequency not consistent with disease.

NM_012470.4(TNPO3):c.2178+156_2178+158del

Gene: TNPO3 (transportin 3; minus strand). Cytogenetic location: 7q32.1.
Variant type: Microsatellite.
Coding change: c.2178+156_2178+158del on transcript NM_012470.4 (MANE Select); bases 156 to 158 of the intron after coding-DNA position 2178, 3 bases deleted (GTT; older notation c.2178+156_2178+158delGTT).
Molecular consequence: intron variant. On other transcripts: non-coding transcript variant (1).
Genome position (GRCh38, 1-based): chr7:128,975,661-128,975,663, AAC deleted on the plus strand (GTT on the coding strand, the reverse complement: TNPO3 is on the minus strand); deleting any 3 consecutive bases within chr7:128,975,661-128,975,666 gives the same sequence; the c. name uses the placement nearest the transcript's 3' end. VCF-style (leftmost placement, unchanged base first): chr7-128975660-GAAC-G. GRCh37 (hg19) VCF-style: chr7-128615714-GAAC-G.
Other names: c.2034+156_2034+158del (NM_001382221.1); c.2031+156_2031+158del (NM_001382222.1); c.2070+156_2070+158del (NM_001382219.1); c.1986+156_1986+158del (NM_001382223.1, NM_001191028.3); c.2037+156_2037+158del (NM_001382220.1); c.2178+156_2178+158del (NM_001382218.1); c.2280+156_2280+158del (NM_001382216.1); c.2259+156_2259+158del (NM_001382217.1).
Identifiers: ClinVar variation 675472 (VCV000675472.1), dbSNP rs3830639, ClinGen allele CA166206107.